The following is an entry in ClinVar:

NM_000059.4(BRCA2):c.8042C>G (p.Thr2681Arg)

Gene: BRCA2 (BRCA2 DNA repair associated; plus strand). Cytogenetic location: 13q13.1.
Variant type: single nucleotide variant.
Coding change: c.8042C>G on transcript NM_000059.4 (MANE Select); coding-DNA position 8042, C replaced by G.
Protein change: p.Thr2681Arg; replaces threonine 2681 with arginine.
Molecular consequence: missense variant.
Genome position (GRCh38, 1-based): chr13:32,363,244, C>G. VCF-style: chr13-32363244-C-G. GRCh37 (hg19) VCF-style: chr13-32937381-C-G.
Other names: short protein forms T2681R.
Identifiers: ClinVar variation 142520 (VCV000142520.46), dbSNP rs587782519, ClinGen allele CA025420.
Genomic context (GRCh38, chr13:32,363,244, plus strand): 5'-ATACGGAAATTGATAGAAGCAGAAGATCGGCTATAAAAAAGATAATGGAAAGGGATGACA[C>G]AGCTGCAAAAACACTTGTTCTCTGTGTTTCTGACATAATTTCATTGAGCGCAAATATATC-3'
Protein context (NP_000050.3, residues 2671-2691): AIKKIMERDD[Thr2681Arg]AAKTLVLCVS

ClinVar aggregate classification (germline): Conflicting classifications of pathogenicity. Review status: criteria provided, conflicting classifications (1 of 4 stars). 13 submissions from 12 submitters: Uncertain significance (9); Likely benign (3). 1 of the submissions does not count toward it. Last evaluated 2026-01-17.

Conditions:
BRCA2-related disorder. Also called: BRCA2-related condition; BRCA2-related disorders. Identifiers: MedGen CN239275.
Hereditary cancer-predisposing syndrome. Also called: Tumor predisposition; Neoplastic Syndromes, Hereditary; Hereditary neoplastic syndrome; Hereditary Cancer Syndrome. Identifiers: Orphanet 140162, MedGen C0027672, MeSH D009386, MONDO:0015356.
Hereditary breast ovarian cancer syndrome. Also called: Hereditary breast and ovarian cancer syndrome; Hereditary breast and ovarian cancer; Hereditary breast and ovarian cancer syndrome (HBOC); Hereditary breast and/or ovarian cancer syndrome; BRCA1- and BRCA2-Associated Hereditary Breast and Ovarian Cancer; Breast and ovarian cancer. Identifiers: Orphanet 145, MedGen C0677776, MeSH D061325, MONDO:0003582. Disease mechanism: loss of function.
Fanconi anemia complementation group D1. Also called: BRCA2-Related Fanconi Anemia. Identifiers: Orphanet 319462, MedGen C1838457, MONDO:0011584, OMIM 605724.
Breast-ovarian cancer, familial, susceptibility to, 2 (BROVCA2). Also called: BRCA2 Hereditary Breast and Ovarian Cancer. Identifiers: Orphanet 145, MedGen C2675520, MONDO:0012933, OMIM 612555. Disease mechanism: loss of function.
Familial cancer of breast. Also called: BREAST CANCER, FAMILIAL; Hereditary breast cancer; hereditary breast carcinoma. Identifiers: Orphanet 227535, MedGen C0346153, MONDO:0016419, OMIM 114480. Disease mechanism: loss of function.

Allele frequency attached by ClinVar (database versions not stated): gnomAD exomes below 0.00001; gnomAD 0.00001; TOPMed 0.00001.
gnomAD v4.1: 7 of 1,613,904 alleles (0.00043%); highest among the groups gnomAD compares: Non-Finnish European, 0.00059%; no homozygotes.

Submissions (13):

Labcorp Genetics (formerly Invitae), Labcorp
Classification: Likely benign for Hereditary breast ovarian cancer syndrome. Last evaluated: 2026-01-17. Review status: criteria provided, single submitter. Criteria: Invitae Variant Classification Sherloc (09022015). Collection method: clinical testing. Allele origin: germline.

PreventionGenetics, part of Exact Sciences
Classification: Likely benign for BRCA2-related condition. Last evaluated: 2025-07-26. Review status: criteria provided, single submitter. Criteria: ACMG Guidelines, 2015. Collection method: clinical testing. Allele origin: germline.
Comment: This variant is classified as likely benign based on ACMG/AMP sequence variant interpretation guidelines (Richards et al. 2015 PMID: 25741868, with internal and published modifications).

Women's Health and Genetics/Laboratory Corporation of America, LabCorp
Classification: Uncertain significance. Last evaluated: 2025-07-11. Review status: criteria provided, single submitter. Criteria: LabCorp Variant Classification Summary - May 2015. Collection method: clinical testing. Allele origin: germline.
Comment: Variant summary: BRCA2 c.8042C>G (p.Thr2681Arg) results in a non-conservative amino acid change located in the BRCA2, OB1 domain (IPR015187) of the encoded protein sequence. Algorithms developed to predict the effect of missense changes on protein structure and function all suggest that this variant is likely to be disruptive. The variant was absent in 251192 control chromosomes. The available data on variant occurrences in the general population are insufficient to allow any conclusion about variant significance. c.8042C>G has been observed in individual(s) affected with Hereditary Breast Cancer (example, Spearman_2008, Lu_2012), but has also been reported at a carrier frequency of 0.0001365 in a cohort of European American women over the age of 70 with no history of cancer (FLOSSIES dataset). These report(s) do not provide unequivocal conclusions about association of the variant with Hereditary Breast And Ovarian Cancer Syndrome. Co-occurrences with other pathogenic variant(s) have been reported (BRCA2 c.1755_1759delGAAAA, p.Lys585AsnfsX3), providing supporting evidence for a benign role. One study showed that this variant has a weak impact on splicing, with the canonical transcript at approximately 97.7% (Fraile-Bethencourt_BRCA2_PLOS_2017). Additionally, one functional study showed no damaging effect of this variant by cell survival and drug sensitivity (Biswas_2020). The following publications have been ascertained in the context of this evaluation (PMID: 33293522, 28339459, 22476429, 18824701). ClinVar contains an entry for this variant (Variation ID: 142520). Based on the evidence outlined above, the variant was classified as VUS-possibly benign.

Ambry Genetics
Classification: Likely benign for Hereditary cancer-predisposing syndrome. Last evaluated: 2025-03-27. Review status: criteria provided, single submitter. Criteria: Ambry Variant Classification Scheme 2023. Collection method: clinical testing. Allele origin: germline.

Baylor Genetics
Classification: Uncertain significance for Familial cancer of breast. Last evaluated: 2024-02-29. Review status: criteria provided, single submitter. Criteria: ACMG Guidelines, 2015. Collection method: clinical testing. Allele origin: unknown.

All of Us Research Program, National Institutes of Health
Classification: Uncertain significance for Breast-ovarian cancer, familial, susceptibility to, 2. Last evaluated: 2023-12-18. Review status: criteria provided, single submitter. Criteria: ACMG Guidelines, 2015. Collection method: clinical testing. Allele origin: germline. Inheritance: Autosomal dominant inheritance. Observed: 1 variant allele, 1 heterozygote.
Comment: This missense variant replaces threonine with arginine at codon 2681 of the BRCA2 protein. Computational prediction is inconclusive regarding the impact of this variant on protein structure and function (internally defined REVEL score threshold 0.5 < inconclusive < 0.7, PMID: 27666373). A functional study in mouse embryonic stem cells showed that this variant did not impact cell viability or drug sensitivity (PMID: 33293522). This variant has been reported in individuals with a personal or family history of breast or ovarian cancer (PMID: 18824701, 22476429) and in a multifactorial analysis with tumor pathology, co-occurrence and family history likelihood ratios for pathogenicity of 0.690, 1.102 and 0.858, respectively (PMID: 31131967). This variant has not been identified in the general population by the Genome Aggregation Database (gnomAD). The available evidence is insufficient to determine the role of this variant in disease conclusively. Therefore, this variant is classified as a Variant of Uncertain Significance.

This study involves interpretation of variants in research participants for the purpose of population health screening. Participant phenotype was not available at the time of variant classification. Additional details can be found in publication PMID: 35346344, PMCID: PMC8962531

Color Diagnostics, LLC DBA Color Health
Classification: Uncertain significance for Hereditary cancer-predisposing syndrome. Last evaluated: 2023-11-30. Review status: criteria provided, single submitter. Criteria: ACMG Guidelines, 2015. Collection method: clinical testing. Allele origin: germline.
Comment: This missense variant replaces threonine with arginine at codon 2681 of the BRCA2 protein. Computational prediction is inconclusive regarding the impact of this variant on protein structure and function (internally defined REVEL score threshold 0.5 < inconclusive < 0.7, PMID: 27666373). A functional study in mouse embryonic stem cells showed that this variant did not impact cell viability or drug sensitivity (PMID: 33293522). This variant has been reported in individuals with a personal or family history of breast or ovarian cancer (PMID: 18824701, 22476429) and in a multifactorial analysis with tumor pathology, co-occurrence and family history likelihood ratios for pathogenicity of 0.690, 1.102 and 0.858, respectively (PMID: 31131967). This variant has not been identified in the general population by the Genome Aggregation Database (gnomAD). The available evidence is insufficient to determine the role of this variant in disease conclusively. Therefore, this variant is classified as a Variant of Uncertain Significance.

GeneDx
Classification: Uncertain significance. Last evaluated: 2023-05-22. Review status: criteria provided, single submitter. Criteria: GeneDx Variant Classification Process June 2021. Collection method: clinical testing. Allele origin: germline. Affected: yes.
Comment: Published functional studies suggest no impact on function: performed similar to wild type in cell survival and drug-sensitivity assays (Biswas et al., 2020); Observed in individuals with a personal or family history including breast and/or ovarian cancer (Lu et al., 2012); Not observed at significant frequency in large population cohorts (gnomAD); In silico analysis supports that this missense variant does not alter protein structure/function; Also known as 8270C>G; This variant is associated with the following publications: (PMID: 18951461, 18824701, 28339459, 29884841, 31853058, 32377563, 31131967, 12228710, 22476429, 33293522)

Quest Diagnostics Nichols Institute San Juan Capistrano
Classification: Uncertain significance. Last evaluated: 2019-07-12. Review status: criteria provided, single submitter. Criteria: Quest Diagnostics criteria. Collection method: clinical testing. Allele origin: germline.

Illumina Laboratory Services, Illumina
Classification: Uncertain significance for Breast-ovarian cancer, familial, susceptibility to, 2. Last evaluated: 2017-10-14. Review status: criteria provided, single submitter. Criteria: ICSL Variant Classification Criteria 13 December 2019. Collection method: clinical testing. Allele origin: germline.
Comment: This variant was observed as part of a predisposition screen in an ostensibly healthy population. A literature search was performed for the gene, cDNA change, and amino acid change (where applicable). Publications were found based on this search. However, the evidence from the literature, in combination with allele frequency data from public databases where available, was not sufficient to rule this variant in or out of causing disease. Therefore, this variant is classified as a variant of unknown significance.

Illumina Laboratory Services, Illumina
Classification: Uncertain significance for Fanconi anemia complementation group D1. Last evaluated: 2017-10-14. Review status: criteria provided, single submitter. Criteria: ICSL Variant Classification Criteria 13 December 2019. Collection method: clinical testing. Allele origin: germline.
Comment: the same text as in the submission from Illumina Laboratory Services, Illumina above.

Eurofins Ntd Llc (ga)
Classification: Uncertain significance. Last evaluated: 2015-01-09. Review status: criteria provided, single submitter. Criteria: EGL Classification Definitions 2015. Collection method: clinical testing. Allele origin: germline.

Counsyl
Classification: Uncertain significance for Breast-ovarian cancer, familial, susceptibility to, 2. Last evaluated: 2018-04-13. Review status: no assertion criteria provided. Collection method: clinical testing. Allele origin: unknown. Not counted in ClinVar's aggregate classification.

Literature cited by the submitters: PubMed 18824701 (cited by 6 submitters); PubMed 22476429 (cited by 7 submitters); PubMed 28339459 (cited by 5 submitters); PubMed 33293522 (cited by 4 submitters); PubMed 39779848 (cited by Ambry Genetics); PubMed 31131967 (cited by All of Us Research Program, National Institutes of Health and Color Diagnostics, LLC DBA Color Health); PubMed 26295337 (cited by Quest Diagnostics Nichols Institute San Juan Capistrano).